The following is an entry in ClinVar:

ClinVar aggregate classification (germline): Likely benign (0 of 4 stars; one submission).

Conditions:
TRPM3-related disorder. Also called: TRPM3-related condition.

Allele frequency attached by ClinVar (database versions not stated): gnomAD exomes 0.00004; ExAC 0.00005; gnomAD 0.00005; TOPMed 0.00006.
gnomAD v4.1: 69 of 1,614,066 alleles (0.0043%); highest among the groups gnomAD compares: Non-Finnish European, 0.004%; no homozygotes.

Submission:

PreventionGenetics, part of Exact Sciences
Classification: Likely benign for TRPM3-related condition. Last evaluated: 2019-03-12. Review status: no assertion criteria provided. Collection method: clinical testing. Allele origin: germline.
Comment: This variant is classified as likely benign based on ACMG/AMP sequence variant interpretation guidelines (Richards et al. 2015 PMID: 25741868, with internal and published modifications).

NM_001366145.2(TRPM3):c.4938C>T (p.Arg1646=)

Genes: KLF9-DT (KLF9 divergent transcript; plus strand), TRPM3 (transient receptor potential cation channel subfamily M member 3; minus strand). Cytogenetic location: 9q21.12.
Variant type: single nucleotide variant.
Coding change: c.4938C>T on transcript NM_001366145.2 (MANE Select); coding-DNA position 4938, C replaced by T.
Protein change: p.Arg1646=; no amino-acid change (arginine 1646 retained).
Molecular consequence: synonymous variant. On other transcripts: intron variant (8).
Genome position (GRCh38, 1-based): chr9:70,536,175, G>A on the plus strand (C>T on the coding strand, the complement: TRPM3 is on the minus strand). VCF-style: chr9-70536175-G-A. GRCh37 (hg19) VCF-style: chr9-73151091-G-A.
Other names: c.4902C>T, p.Arg1634= (NM_001007471.4); c.4908C>T, p.Arg1636= (NM_001366141.2, NM_001366149.2); c.5013C>T, p.Arg1671= (NM_001366147.2); c.4443C>T, p.Arg1481= (NM_020952.6); c.4479C>T, p.Arg1493= (NM_024971.7); c.4413C>T, p.Arg1471= (NM_206944.5); c.4449C>T, p.Arg1483= (NM_206945.5); c.4518C>T, p.Arg1506= (NM_206946.5); and 9 more.
Identifiers: ClinVar variation 3057944 (VCV003057944.2), dbSNP rs765557409, ClinGen allele CA5077715.